The following is an entry in ClinVar:

NM_004260.4(RECQL4):c.1573delinsCCCCC (p.Cys525fs)

Gene: RECQL4 (RecQ like helicase 4; minus strand). Cytogenetic location: 8q24.3.
Variant type: Indel.
Coding change: c.1573delinsCCCCC on transcript NM_004260.4 (MANE Select); coding-DNA position 1573, T replaced by CCCCC.
Protein change: p.Cys525fs; shifts the reading frame from cysteine 525.
Molecular consequence: frameshift variant. On other transcripts: non-coding transcript variant (3).
Genome position (GRCh38, 1-based): chr8:144,514,983, A replaced by GGGGG on the plus strand (T replaced by CCCCC on the coding strand, the reverse complement: RECQL4 is on the minus strand). VCF-style: chr8-144514983-A-GGGGG. GRCh37 (hg19) VCF-style: chr8-145740367-A-GGGGG.
Other names: c.1477delinsCCCCC, p.Cys493fs (NM_001413017.1, NM_001413020.1); c.1573delinsCCCCC, p.Cys525fs (NM_001413018.1, NM_001413019.1, NM_001413033.1 and 1 more transcripts); c.502delinsCCCCC, p.Cys168fs (NM_001413021.1, NM_001413022.1, NM_001413023.1 and 7 more transcripts); c.1444delinsCCCCC, p.Cys482fs (NM_001413025.1); c.436delinsCCCCC, p.Cys146fs (NM_001413027.1, NM_001413030.1, NM_001413031.1 and 2 more transcripts); c.1222delinsCCCCC, p.Cys408fs (NM_001413029.1); c.1543delinsCCCCC, p.Cys515fs (NM_001413039.1); c.472delinsCCCCC, p.Cys158fs (NM_001413042.1); and 1 more; short protein forms C168fs, C408fs, C525fs, C146fs, C158fs, C36fs, C482fs, C493fs.
Identifiers: ClinVar variation 3010807 (VCV003010807.3), dbSNP rs2538054085, ClinGen allele CA2740095416.

ClinVar aggregate classification (germline): Pathogenic (1 of 4 stars; one submission).

Conditions:
Baller-Gerold syndrome (BGS). Also called: CRANIOSYNOSTOSIS WITH RADIAL DEFECTS. Identifiers: Orphanet 1225, MedGen C0265308, MONDO:0009039, OMIM 218600.

Submission:

Labcorp Genetics (formerly Invitae), Labcorp
Classification: Pathogenic for Baller-Gerold syndrome. Last evaluated: 2022-02-17. Review status: criteria provided, single submitter. Criteria: Invitae Variant Classification Sherloc (09022015). Collection method: clinical testing. Allele origin: germline.
Comment: This variant is also known as two variants on the same chromosome, c.1568G>C and c.1573delT, or g.2881G>C and g.2886delT. For these reasons, this variant has been classified as Pathogenic. ClinVar contains an entry for this variant (Variation ID: 407029). This premature translational stop signal has been observed in individual(s) with RAPADILINO, Baller-Gerold syndrome, and Rothmund–Thomson syndrome (PMID: 10678659, 12734318, 12838562, 15897384, 15964893, 27247962). In at least one individual the data is consistent with being in trans (on the opposite chromosome) from a pathogenic variant. This variant is present in population databases (rs386833845, gnomAD 0.04%). This sequence change creates a premature translational stop signal (p.Ser523Thrfs*35) in the RECQL4 gene. It is expected to result in an absent or disrupted protein product. Loss-of-function variants in RECQL4 are known to be pathogenic (PMID: 12734318, 12952869).

Literature cited by the submitters: PubMed 10678659; PubMed 12734318; PubMed 12838562; PubMed 15897384; PubMed 15964893; PubMed 27247962; PubMed 12952869.